The following is an entry in ClinVar:

NM_000512.5(GALNS):c.1507_1508del (p.Lys503fs)

Gene: GALNS (galactosamine (N-acetyl)-6-sulfatase; minus strand). Cytogenetic location: 16q24.3.
Variant type: Deletion.
Coding change: c.1507_1508del on transcript NM_000512.5 (MANE Select); coding-DNA positions 1507 to 1508, 2 bases deleted (AA; older notation c.1507_1508delAA).
Protein change: p.Lys503fs; shifts the reading frame from lysine 503.
Molecular consequence: frameshift variant.
Genome position (GRCh38, 1-based): chr16:88,814,500-88,814,501, TT deleted on the plus strand (AA on the coding strand, the reverse complement: GALNS is on the minus strand); deleting any 2 consecutive bases within chr16:88,814,500-88,814,503 gives the same sequence; the c. name uses the placement nearest the transcript's 3' end. VCF-style (leftmost placement, unchanged base first): chr16-88814499-CTT-C. GRCh37 (hg19) VCF-style: chr16-88880907-CTT-C.
Other names: c.952_953del, p.Lys318fs (NM_001323543.2); c.1525_1526del, p.Lys509fs (NM_001323544.2); short protein forms K318fs, K503fs, K509fs.
Identifiers: ClinVar variation 1048344 (VCV001048344.3), dbSNP rs753053516, ClinGen allele CA8234639.

ClinVar aggregate classification (germline): Likely pathogenic (1 of 4 stars; one submission).

Conditions:
Mucopolysaccharidosis, MPS-IV-A (MPS4A). Also called: Mucopolysaccharidosis type IV A; Mucopolysaccharidosis Type IVA; Morquio syndrome A, mild; MORQUIO SYNDROME A; MPS IVA; mucopolysaccharidosis type 4A. Identifiers: Orphanet 309297, Orphanet 582, MedGen C0086651, MONDO:0009659, OMIM 253000.

Submission:

Laboratory of Diagnosis and Therapy of Lysosomal Disorders, University of Padova
Classification: Likely pathogenic for Mucopolysaccharidosis, MPS-IV-A. Last evaluated: 2021-02-01. Review status: criteria provided, single submitter. Criteria: ACMG Guidelines, 2015. Collection method: curation. Allele origin: germline. Affected: yes.
Comment: Frameshift variant (PVS1_strong); absent from gnomAD v2.1.1 (PM2_moderate)

Literature cited by the submitters: PubMed 25545067; PubMed 34387910.